The following is an entry in ClinVar:

ClinVar aggregate classification (germline): Benign. Review status: criteria provided, multiple submitters, no conflicts (2 of 4 stars). 10 submissions from 9 submitters: Benign (8). 2 of the submissions do not count toward it. Last evaluated 2026-02-04.

Conditions:
Autosomal recessive nonsyndromic hearing loss 18A. Also called: DEAFNESS, AUTOSOMAL RECESSIVE 18; Deafness, autosomal recessive 18A. Identifiers: Orphanet 90636, MedGen C1865870, MONDO:0011192, OMIM 602092.
Usher syndrome type 1C. Also called: USHER SYNDROME, TYPE I, ACADIAN VARIETY. Identifiers: Orphanet 231169, Orphanet 886, MedGen C1848604, MONDO:0010171, OMIM 276904.

Allele frequency attached by ClinVar (database versions not stated): ESP Exome Variant Server 0.09757; TOPMed 0.12087; ExAC 0.12164; gnomAD exomes 0.12422; 1000 Genomes Project 30x 0.14600; 1000 Genomes Project 0.14776.
gnomAD v4.1: 172,134 of 1,610,522 alleles (11%); highest among the groups gnomAD compares: East Asian, 30%; 10,823 homozygotes.

Submissions (10):

Labcorp Genetics (formerly Invitae), Labcorp
Classification: Benign. Last evaluated: 2026-02-04. Review status: criteria provided, single submitter. Criteria: Invitae Variant Classification Sherloc (09022015). Collection method: clinical testing. Allele origin: germline.

Genome-Nilou Lab
Classification: Benign for Usher syndrome type 1C. Last evaluated: 2021-07-10. Review status: criteria provided, single submitter. Criteria: ACMG Guidelines, 2015. Collection method: clinical testing. Allele origin: germline. Affected: no.

Genome-Nilou Lab
Classification: Benign for Autosomal recessive nonsyndromic hearing loss 18A. Last evaluated: 2021-07-10. Review status: criteria provided, single submitter. Criteria: ACMG Guidelines, 2015. Collection method: clinical testing. Allele origin: germline. Affected: no.

Illumina Laboratory Services, Illumina
Classification: Benign for Usher syndrome type 1C. Last evaluated: 2018-01-13. Review status: criteria provided, single submitter. Criteria: ICSL Variant Classification Criteria 13 December 2019. Collection method: clinical testing. Allele origin: germline.
Comment: This variant was observed in the ICSL laboratory as part of a predisposition screen in an ostensibly healthy population. It had not been previously curated by ICSL or reported in the Human Gene Mutation Database (HGMD: prior to June 1st, 2018), and was therefore a candidate for classification through an automated scoring system. Utilizing variant allele frequency, disease prevalence and penetrance estimates, and inheritance mode, an automated score was calculated to assess if this variant is too frequent to cause the disease. Based on the score and internal cut-off values, a variant classified as benign is not then subjected to further curation. The score for this variant resulted in a classification of benign for this disease.

GeneDx
Classification: Benign. Last evaluated: 2015-03-03. Review status: criteria provided, single submitter. Criteria: GeneDx Variant Classification Process June 2021. Collection method: clinical testing. Allele origin: germline. Affected: yes.

Laboratory for Molecular Medicine, Mass General Brigham Personalized Medicine
Classification: Benign. Last evaluated: 2009-06-24. Review status: criteria provided, single submitter. Criteria: LMM Criteria. Collection method: clinical testing. Allele origin: germline. Observed: 477 variant alleles.

Breakthrough Genomics
Classification: Benign. Review status: criteria provided, single submitter. Criteria: ACMG Guidelines, 2015. Collection method: not provided. Allele origin: germline. Inheritance: Autosomal recessive inheritance. Affected: yes.

PreventionGenetics, part of Exact Sciences
Classification: Benign. Review status: criteria provided, single submitter. Criteria: ACMG Guidelines, 2015. Collection method: clinical testing. Allele origin: germline.

Diagnostic Laboratory, Department of Genetics, University Medical Center Groningen
Classification: Benign. Review status: no assertion criteria provided. Collection method: clinical testing. Allele origin: germline. Affected: yes. Study: VKGL Data-share Consensus. Not counted in ClinVar's aggregate classification.

Joint Genome Diagnostic Labs from Nijmegen and Maastricht, Radboudumc and MUMC+
Classification: Benign. Review status: no assertion criteria provided. Collection method: clinical testing. Allele origin: germline. Affected: yes. Study: VKGL Data-share Consensus. Not counted in ClinVar's aggregate classification.

NM_153676.4(USH1C):c.2490+12G>C

Gene: USH1C (USH1 protein network component harmonin; minus strand). Cytogenetic location: 11p15.1.
Variant type: single nucleotide variant.
Coding change: c.2490+12G>C on transcript NM_153676.4 (MANE Select); 12 bases into the intron after coding-DNA position 2490, G replaced by C.
Molecular consequence: intron variant.
Genome position (GRCh38, 1-based): chr11:17,498,150, C>G on the plus strand (G>C on the coding strand, the complement: USH1C is on the minus strand). VCF-style: chr11-17498150-C-G. GRCh37 (hg19) VCF-style: chr11-17519697-C-G.
Other names: c.1533+12G>C (NM_001297764.2); c.1590+12G>C (NM_005709.4).
Identifiers: ClinVar variation 48006 (VCV000048006.30), dbSNP rs2072232, ClinGen allele CA142356.